The following is an entry in ClinVar:

ClinVar aggregate classification (germline): Uncertain significance (1 of 4 stars; one submission).

Allele frequency attached by ClinVar (database versions not stated): ExAC 0.00001; gnomAD exomes 0.00001.
gnomAD v4.1: 7 of 1,210,678 alleles (0.00058%); highest among the groups gnomAD compares: Non-Finnish European, 0.00067%; no homozygotes.

Submission:

Labcorp Genetics (formerly Invitae), Labcorp
Classification: Uncertain significance. Last evaluated: 2024-08-05. Review status: criteria provided, single submitter. Criteria: Invitae Variant Classification Sherloc (09022015). Collection method: clinical testing. Allele origin: germline.
Comment: This sequence change replaces proline, which is neutral and non-polar, with serine, which is neutral and polar, at codon 1117 of the HUWE1 protein (p.Pro1117Ser). This variant is present in population databases (rs782735165, gnomAD 0.001%). This variant has not been reported in the literature in individuals affected with HUWE1-related conditions. Advanced modeling of protein sequence and biophysical properties (such as structural, functional, and spatial information, amino acid conservation, physicochemical variation, residue mobility, and thermodynamic stability) has been performed at Invitae for this missense variant, however the output from this modeling did not meet the statistical confidence thresholds required to predict the impact of this variant on HUWE1 protein function. In summary, the available evidence is currently insufficient to determine the role of this variant in disease. Therefore, it has been classified as a Variant of Uncertain Significance.

NM_031407.7(HUWE1):c.3349C>T (p.Pro1117Ser)

Gene: HUWE1 (HECT, UBA and WWE domain containing E3 ubiquitin protein ligase 1; minus strand). Cytogenetic location: Xp11.22.
Variant type: single nucleotide variant.
Coding change: c.3349C>T on transcript NM_031407.7 (MANE Select); coding-DNA position 3349, C replaced by T.
Protein change: p.Pro1117Ser; replaces proline 1117 with serine.
Molecular consequence: missense variant.
Genome position (GRCh38, 1-based): chrX:53,595,218, G>A on the plus strand (C>T on the coding strand, the complement: HUWE1 is on the minus strand). VCF-style: chrX-53595218-G-A. GRCh37 (hg19) VCF-style: chrX-53622178-G-A.
Other names: short protein forms P1117S.
Identifiers: ClinVar variation 2803133 (VCV002803133.3), dbSNP rs782735165, ClinGen allele CA10422587.
Genomic context (GRCh38, chrX:53,595,218, plus strand): 5'-TAGTCCCTGAATCTCAAGCTGAACTTCACCTGAATCGGGGAGTAGGTGTATATGGTGGGG[G>A]CTGCCAAGATAACCCCTTAGTCAAGAGCTTAGTGAGAGCTGAGGCTGTTGATCGCGCGGC-3'
Protein context (NP_113584.3, residues 1107-1127): KLLTKGLSWQ[Pro1117Ser]PPYTPTPRFR